The following is an entry in ClinVar:

ClinVar aggregate classification (germline): Benign/Likely benign. Review status: criteria provided, multiple submitters, no conflicts (2 of 4 stars). 5 submissions from 5 submitters: Benign (2); Likely benign (2). 1 of the submissions does not count toward it. Last evaluated 2026-01-27.

Conditions:
DNAH9-related disorder. Also called: DNAH9-related condition.

Allele frequency attached by ClinVar (database versions not stated): 1000 Genomes Project 30x 0.00047; 1000 Genomes Project 0.00060; ExAC 0.00102; gnomAD 0.00111 and 0.00118; gnomAD exomes 0.00117; TOPMed 0.00117; ESP Exome Variant Server 0.00146.
gnomAD v4.1: 2,434 of 1,614,216 alleles (0.15%); highest among the groups gnomAD compares: Non-Finnish European, 0.17%; 5 homozygotes.

Submissions (5):

Labcorp Genetics (formerly Invitae), Labcorp
Classification: Benign. Last evaluated: 2026-01-27. Review status: criteria provided, single submitter. Criteria: Invitae Variant Classification Sherloc (09022015). Collection method: clinical testing. Allele origin: germline.

Blueprint Genetics
Classification: Likely benign. Last evaluated: 2024-11-20. Review status: criteria provided, single submitter. Criteria: ACMG Guidelines, 2015. Collection method: clinical testing. Allele origin: germline.

CeGaT Center for Human Genetics Tuebingen
Classification: Likely benign. Last evaluated: 2022-07-01. Review status: criteria provided, single submitter. Criteria: CeGaT Center For Human Genetics Tuebingen Variant Classification Criteria Version 2. Collection method: clinical testing. Allele origin: germline. Affected: yes. Observed: 3 variant alleles.
Comment: DNAH9: BP4, BP7

Breakthrough Genomics
Classification: Benign. Review status: criteria provided, single submitter. Criteria: ACMG Guidelines, 2015. Collection method: not provided. Allele origin: germline. Inheritance: Autosomal recessive inheritance. Affected: yes.

PreventionGenetics, part of Exact Sciences
Classification: Benign for DNAH9-related condition. Last evaluated: 2019-12-16. Review status: no assertion criteria provided. Collection method: clinical testing. Allele origin: germline. Not counted in ClinVar's aggregate classification.
Comment: This variant is classified as benign based on ACMG/AMP sequence variant interpretation guidelines (Richards et al. 2015 PMID: 25741868, with internal and published modifications).

NM_001372.4(DNAH9):c.4377C>T (p.Val1459=)

Gene: DNAH9 (dynein axonemal heavy chain 9; plus strand). Cytogenetic location: 17p12.
Variant type: single nucleotide variant.
Coding change: c.4377C>T on transcript NM_001372.4 (MANE Select); coding-DNA position 4377, C replaced by T.
Protein change: p.Val1459=; no amino-acid change (valine 1459 retained).
Molecular consequence: synonymous variant.
Genome position (GRCh38, 1-based): chr17:11,690,199, C>T. VCF-style: chr17-11690199-C-T. GRCh37 (hg19) VCF-style: chr17-11593516-C-T.
Other names: c.4377C>T (NM_001372.3).
Identifiers: ClinVar variation 1654697 (VCV001654697.35), dbSNP rs145085168, ClinGen allele CA8395653.